The following is an entry in ClinVar:

NM_198525.3(KIF7):c.1027G>A (p.Ala343Thr)

Gene: KIF7 (kinesin family member 7; minus strand). Cytogenetic location: 15q26.1.
Variant type: single nucleotide variant.
Coding change: c.1027G>A on transcript NM_198525.3 (MANE Select); coding-DNA position 1027, G replaced by A.
Protein change: p.Ala343Thr; replaces alanine 343 with threonine.
Molecular consequence: missense variant.
Genome position (GRCh38, 1-based): chr15:89,648,671, C>T on the plus strand (G>A on the coding strand, the complement: KIF7 is on the minus strand). VCF-style: chr15-89648671-C-T. GRCh37 (hg19) VCF-style: chr15-90191902-C-T.
Other names: c.1027G>A (NM_198525.2); short protein forms A343T.
Identifiers: ClinVar variation 2188667 (VCV002188667.4), dbSNP rs536645226, ClinGen allele CA7728592.

ClinVar aggregate classification (germline): Uncertain significance. Review status: criteria provided, multiple submitters, no conflicts (2 of 4 stars). 2 submissions from 2 submitters: Uncertain significance (2). Last evaluated 2024-10-08.

Conditions:
Inborn genetic diseases. Identifiers: MedGen C0950123, MeSH D030342.
Acrocallosal syndrome (ACLS). Also called: HALLUX DUPLICATION, POSTAXIAL POLYDACTYLY, AND ABSENCE OF CORPUS CALLOSUM; Schinzel syndrome 1; Absence of corpus callosum with unusual facial appearance, mental deficiency, duplication of the halluces and polydactyly. Identifiers: Orphanet 36, MedGen C0796147, MONDO:0008708, OMIM 200990.

Allele frequency attached by ClinVar (database versions not stated): gnomAD 0.00003; TOPMed 0.00006; ExAC 0.00008; 1000 Genomes Project 0.00020; 1000 Genomes Project 30x 0.00031.
gnomAD v4.1: 6 of 1,535,580 alleles (0.00039%); highest among the groups gnomAD compares: East Asian, 0.0049%; no homozygotes.

Submissions (2):

Ambry Genetics
Classification: Uncertain significance for Inborn genetic diseases. Last evaluated: 2024-10-08. Review status: criteria provided, single submitter. Criteria: Ambry Variant Classification Scheme 2023. Collection method: clinical testing. Allele origin: germline.

Labcorp Genetics (formerly Invitae), Labcorp
Classification: Uncertain significance for Acrocallosal syndrome. Last evaluated: 2022-06-04. Review status: criteria provided, single submitter. Criteria: Invitae Variant Classification Sherloc (09022015). Collection method: clinical testing. Allele origin: germline.
Comment: Algorithms developed to predict the effect of missense changes on protein structure and function are either unavailable or do not agree on the potential impact of this missense change (SIFT: "Deleterious"; PolyPhen-2: "Probably Damaging"; Align-GVGD: "Class C0"). In summary, the available evidence is currently insufficient to determine the role of this variant in disease. Therefore, it has been classified as a Variant of Uncertain Significance. This variant has not been reported in the literature in individuals affected with KIF7-related conditions. This variant is present in population databases (rs536645226, gnomAD 0.03%). This sequence change replaces alanine, which is neutral and non-polar, with threonine, which is neutral and polar, at codon 343 of the KIF7 protein (p.Ala343Thr).